The following is an entry in ClinVar:

NM_025114.4(CEP290):c.4995T>G (p.Phe1665Leu)

Gene: CEP290 (centrosomal protein 290; minus strand). Cytogenetic location: 12q21.32.
Variant type: single nucleotide variant.
Coding change: c.4995T>G on transcript NM_025114.4 (MANE Select); coding-DNA position 4995, T replaced by G.
Protein change: p.Phe1665Leu; replaces phenylalanine 1665 with leucine.
Molecular consequence: missense variant.
Genome position (GRCh38, 1-based): chr12:88,083,048, A>C on the plus strand (T>G on the coding strand, the complement: CEP290 is on the minus strand). VCF-style: chr12-88083048-A-C. GRCh37 (hg19) VCF-style: chr12-88476825-A-C.
Other names: c.4995T>G (NM_025114.3); short protein forms F1665L.
Identifiers: ClinVar variation 1934267 (VCV001934267.6), dbSNP rs772088416, ClinGen allele CA385992681.

ClinVar aggregate classification (germline): Uncertain significance. Review status: criteria provided, multiple submitters, no conflicts (2 of 4 stars). 2 submissions from 2 submitters: Uncertain significance (2). Last evaluated 2024-08-07.

Conditions:
Joubert syndrome. Also called: CEREBELLOPARENCHYMAL DISORDER IV; JOUBERT-BOLTSHAUSER SYNDROME; Familial aplasia of the vermis. Identifiers: Orphanet 475, MedGen C5979921, MONDO:0018772.
Meckel-Gruber syndrome. Also called: DYSENCEPHALIA SPLANCHNOCYSTICA; GRUBER SYNDROME; Dysencephalia splachnocystica. Identifiers: Orphanet 564, MedGen C0265215, MONDO:0018921.
Nephronophthisis. Also called: Juvenile Nephronophthisis. Identifiers: Orphanet 655, MedGen C0687120, MONDO:0019005, HP:0000090.
Inborn genetic diseases. Identifiers: MedGen C0950123, MeSH D030342.

Allele frequency attached by ClinVar (database versions not stated): TOPMed 0.00001.
gnomAD v4.1: 1 of 1,503,290 alleles (0.000067%); highest among the groups gnomAD compares: Admixed American, 0.0023%; no homozygotes.

Submissions (2):

Ambry Genetics
Classification: Uncertain significance for Inborn genetic diseases. Last evaluated: 2024-08-07. Review status: criteria provided, single submitter. Criteria: Ambry Variant Classification Scheme 2023. Collection method: clinical testing. Allele origin: germline.

Labcorp Genetics (formerly Invitae), Labcorp
Classification: Uncertain significance for Joubert syndrome; Meckel-Gruber syndrome; Nephronophthisis. Last evaluated: 2022-06-09. Review status: criteria provided, single submitter. Criteria: Invitae Variant Classification Sherloc (09022015). Collection method: clinical testing. Allele origin: germline.
Comment: In summary, the available evidence is currently insufficient to determine the role of this variant in disease. Therefore, it has been classified as a Variant of Uncertain Significance. Algorithms developed to predict the effect of missense changes on protein structure and function are either unavailable or do not agree on the potential impact of this missense change (SIFT: "Tolerated"; PolyPhen-2: "Possibly Damaging"; Align-GVGD: "Class C0"). This variant has not been reported in the literature in individuals affected with CEP290-related conditions. This variant is not present in population databases (gnomAD no frequency). This sequence change replaces phenylalanine, which is neutral and non-polar, with leucine, which is neutral and non-polar, at codon 1665 of the CEP290 protein (p.Phe1665Leu).